The following is an entry in ClinVar:

NM_001013838.3(CARMIL2):c.1439+4A>T

Gene: CARMIL2 (capping protein regulator and myosin 1 linker 2; plus strand). Cytogenetic location: 16q22.1.
Variant type: single nucleotide variant.
Coding change: c.1439+4A>T on transcript NM_001013838.3 (MANE Select); 4 bases into the intron after coding-DNA position 1439, A replaced by T.
Molecular consequence: intron variant.
Genome position (GRCh38, 1-based): chr16:67,648,506, A>T. VCF-style: chr16-67648506-A-T. GRCh37 (hg19) VCF-style: chr16-67682409-A-T.
Other names: c.1331+4A>T (NM_001317026.3).
Identifiers: ClinVar variation 2110397 (VCV002110397.4), dbSNP rs2543547730, ClinGen allele CA2580091792.
Genomic context (GRCh38, chr16:67,648,506, plus strand): 5'-GCGGACGCTGCGGCACCTGGGCCTGGCGGGCTGCAAGCTGCCGCCCGACGCGCTCAGGTC[A>T]GTGTCGGACCCCGGCCACGCCCCCGCGGGCGCTCCCACCCTGCCCTGGCCTTCGCCCCTC-3'

ClinVar aggregate classification (germline): Uncertain significance (1 of 4 stars; one submission).

Allele frequency attached by ClinVar (database versions not stated): gnomAD exomes below 0.00001.
gnomAD v4.1: 1 of 1,457,596 alleles (0.000069%); highest among the groups gnomAD compares: Non-Finnish European, 0.00009%; no homozygotes.

Submission:

Labcorp Genetics (formerly Invitae), Labcorp
Classification: Uncertain significance. Last evaluated: 2022-03-12. Review status: criteria provided, single submitter. Criteria: Invitae Variant Classification Sherloc (09022015). Collection method: clinical testing. Allele origin: germline.
Comment: In summary, the available evidence is currently insufficient to determine the role of this variant in disease. Therefore, it has been classified as a Variant of Uncertain Significance. Variants that disrupt the consensus splice site are a relatively common cause of aberrant splicing (PMID: 17576681, 9536098). Algorithms developed to predict the effect of sequence changes on RNA splicing suggest that this variant is not likely to affect RNA splicing. This variant has not been reported in the literature in individuals affected with CARMIL2-related conditions. This variant is not present in population databases (gnomAD no frequency). This sequence change falls in intron 15 of the CARMIL2 gene. It does not directly change the encoded amino acid sequence of the CARMIL2 protein. It affects a nucleotide within the consensus splice site.

Literature cited by the submitters: PubMed 17576681; PubMed 9536098.